The following is an entry in ClinVar:

ClinVar aggregate classification (germline): Uncertain significance. Review status: criteria provided, multiple submitters, no conflicts (2 of 4 stars). 2 submissions from 2 submitters: Uncertain significance (2). Last evaluated 2025-03-16.

Conditions:
Basal cell carcinoma, susceptibility to, 1. Also called: BCC1. Identifiers: MedGen C2751544, MONDO:0011556, OMIM 605462.
Medulloblastoma (MDB). Also called: MEDULLOBLASTOMA PREDISPOSITION SYNDROME; Medulloblastoma, somatic. Identifiers: Orphanet 616, MedGen C0025149, MeSH D008527, MONDO:0007959, OMIM 155255, HP:0002885.
Gorlin syndrome. Also called: Nevoid Basal Cell Carcinoma Syndrome; Basal cell nevus syndrome. Identifiers: Orphanet 377, MedGen C0004779, MONDO:0007187.

Allele frequency attached by ClinVar (database versions not stated): gnomAD 0.00001; gnomAD exomes 0.00001; ExAC 0.00002; TOPMed 0.00002.
gnomAD v4.1: 24 of 1,613,948 alleles (0.0015%); highest among the groups gnomAD compares: Non-Finnish European, 0.0019%; no homozygotes.

Submissions (2):

Labcorp Genetics (formerly Invitae), Labcorp
Classification: Uncertain significance for Gorlin syndrome. Last evaluated: 2025-03-16. Review status: criteria provided, single submitter. Criteria: Invitae Variant Classification Sherloc (09022015). Collection method: clinical testing. Allele origin: germline.
Comment: This sequence change replaces proline, which is neutral and non-polar, with leucine, which is neutral and non-polar, at codon 1167 of the PTCH2 protein (p.Pro1167Leu). This variant is present in population databases (rs777389212, gnomAD 0.003%). This variant has not been reported in the literature in individuals affected with PTCH2-related conditions. ClinVar contains an entry for this variant (Variation ID: 573292). An algorithm developed to predict the effect of missense changes on protein structure and function (PolyPhen-2) suggests that this variant is likely to be disruptive. In summary, the available evidence is currently insufficient to determine the role of this variant in disease. Therefore, it has been classified as a Variant of Uncertain Significance.

Fulgent Genetics
Classification: Uncertain significance for Medulloblastoma; Basal cell carcinoma, susceptibility to, 1. Last evaluated: 2024-01-31. Review status: criteria provided, single submitter. Criteria: ACMG Guidelines, 2015. Collection method: clinical testing. Allele origin: germline.

NM_003738.5(PTCH2):c.3500C>T (p.Pro1167Leu)

Gene: PTCH2 (patched 2; minus strand). Cytogenetic location: 1p34.1.
Variant type: single nucleotide variant.
Coding change: c.3500C>T on transcript NM_003738.5 (MANE Select); coding-DNA position 3500, C replaced by T.
Protein change: p.Pro1167Leu; replaces proline 1167 with leucine.
Molecular consequence: missense variant. On other transcripts: intron variant (1).
Genome position (GRCh38, 1-based): chr1:44,822,527, G>A on the plus strand (C>T on the coding strand, the complement: PTCH2 is on the minus strand). VCF-style: chr1-44822527-G-A. GRCh37 (hg19) VCF-style: chr1-45288199-G-A.
Other names: c.3425+75C>T (NM_001166292.2); short protein forms P1167L.
Identifiers: ClinVar variation 573292 (VCV000573292.10), dbSNP rs777389212, ClinGen allele CA822668.